The following is an entry in ClinVar:

NM_000535.7(PMS2):c.415C>T (p.His139Tyr)

Gene: PMS2 (PMS1 homolog 2, mismatch repair system component; minus strand). Cytogenetic location: 7p22.1.
Variant type: single nucleotide variant.
Coding change: c.415C>T on transcript NM_000535.7 (MANE Select); coding-DNA position 415, C replaced by T.
Protein change: p.His139Tyr; replaces histidine 139 with tyrosine.
Molecular consequence: missense variant. On other transcripts: 5 prime UTR variant (2), non-coding transcript variant (1).
Genome position (GRCh38, 1-based): chr7:6,002,575, G>A on the plus strand (C>T on the coding strand, the complement: PMS2 is on the minus strand). VCF-style: chr7-6002575-G-A. GRCh37 (hg19) VCF-style: chr7-6042206-G-A.
Other names: c.415C>T, p.His139Tyr (NM_001322006.2, NM_001322014.2); c.10C>T, p.His4Tyr (NM_001322003.2, NM_001322004.2, NM_001322005.2 and 3 more transcripts); c.97C>T, p.His33Tyr (NM_001322007.2, NM_001322008.2); c.-470C>T (NM_001322011.2, NM_001322012.2); c.106C>T, p.His36Tyr (NM_001322015.2); short protein forms H139Y, H33Y, H4Y, H36Y.
Identifiers: ClinVar variation 455718 (VCV000455718.22), dbSNP rs1554304032, ClinGen allele CA366744396.

ClinVar aggregate classification (germline): Uncertain significance. Review status: criteria provided, multiple submitters, no conflicts (2 of 4 stars). 4 submissions from 4 submitters: Uncertain significance (4). Last evaluated 2025-10-27.

Conditions:
Hereditary nonpolyposis colorectal neoplasms. Identifiers: MedGen C0009405, MeSH D003123.
Hereditary cancer-predisposing syndrome. Also called: Hereditary Cancer Syndrome; Hereditary neoplastic syndrome; Neoplastic Syndromes, Hereditary; Tumor predisposition. Identifiers: Orphanet 140162, MedGen C0027672, MeSH D009386, MONDO:0015356.
Lynch syndrome. Identifiers: Orphanet 144, MedGen C4552100, MONDO:0005835. Disease mechanism: loss of function.

Allele frequency attached by ClinVar (database versions not stated): gnomAD exomes below 0.00001.

Submissions (4):

Labcorp Genetics (formerly Invitae), Labcorp
Classification: Uncertain significance for Hereditary nonpolyposis colorectal neoplasms. Last evaluated: 2025-10-27. Review status: criteria provided, single submitter. Criteria: Invitae Variant Classification Sherloc (09022015). Collection method: clinical testing. Allele origin: germline.
Comment: This sequence change replaces histidine, which is basic and polar, with tyrosine, which is neutral and polar, at codon 139 of the PMS2 protein (p.His139Tyr). This variant is not present in population databases (gnomAD no frequency). This variant has not been reported in the literature in individuals affected with PMS2-related conditions. ClinVar contains an entry for this variant (Variation ID: 455718). Invitae Evidence Modeling of protein sequence and biophysical properties (such as structural, functional, and spatial information, amino acid conservation, physicochemical variation, residue mobility, and thermodynamic stability) indicates that this missense variant is expected to disrupt PMS2 protein function with a positive predictive value of 80%. In summary, the available evidence is currently insufficient to determine the role of this variant in disease. Therefore, it has been classified as a Variant of Uncertain Significance.

Ambry Genetics
Classification: Uncertain significance for Hereditary cancer-predisposing syndrome. Last evaluated: 2025-08-06. Review status: criteria provided, single submitter. Criteria: Ambry Variant Classification Scheme 2023. Collection method: clinical testing. Allele origin: germline.
Comment: The p.H139Y variant (also known as c.415C>T), located in coding exon 5 of the PMS2 gene, results from a C to T substitution at nucleotide position 415. The histidine at codon 139 is replaced by tyrosine, an amino acid with similar properties. This amino acid position is highly conserved in available vertebrate species. In addition, the in silico prediction for this alteration is inconclusive. Since supporting evidence is limited at this time, the clinical significance of this alteration remains unclear.

Color Diagnostics, LLC DBA Color Health
Classification: Uncertain significance for Hereditary cancer-predisposing syndrome. Last evaluated: 2025-03-25. Review status: criteria provided, single submitter. Criteria: ACMG Guidelines, 2015. Collection method: clinical testing. Allele origin: germline.
Comment: This missense variant replaces histidine with tyrosine at codon 139 of the PMS2 protein. Computational prediction is inconclusive regarding the impact of this variant on protein structure and function. To our knowledge, functional studies have not been reported for this variant. This variant has not been reported in individuals affected with PMS2-related disorders in the literature. This variant has not been identified in the general population by the Genome Aggregation Database (gnomAD). The available evidence is insufficient to determine the role of this variant in disease conclusively. Therefore, this variant is classified as a Variant of Uncertain Significance.

All of Us Research Program, National Institutes of Health
Classification: Uncertain significance for Lynch syndrome. Last evaluated: 2024-04-10. Review status: criteria provided, single submitter. Criteria: ACMG Guidelines, 2015. Collection method: clinical testing. Allele origin: germline. Inheritance: Autosomal dominant inheritance. Observed: 1 variant allele, 1 heterozygote.
Comment: This missense variant replaces histidine with tyrosine at codon 139 of the PMS2 protein. Computational prediction is inconclusive regarding the impact of this variant on protein structure and function (internally defined REVEL score threshold 0.5 < inconclusive < 0.7, PMID: 27666373). Splice site prediction tools suggest that this variant may not impact RNA splicing. To our knowledge, functional studies have not been performed for this variant. This variant has not been reported in individuals affected with hereditary cancer in the literature. This variant has not been identified in the general population by the Genome Aggregation Database (gnomAD). The available evidence is insufficient to determine the role of this variant in disease conclusively. Therefore, this variant is classified as a Variant of Uncertain Significance.

This study involves interpretation of variants in research participants for the purpose of population health screening. Participant phenotype was not available at the time of variant classification. Additional details can be found in publication PMID: 35346344, PMCID: PMC8962531